The following is an entry in ClinVar:

ClinVar aggregate classification (germline): Uncertain significance (1 of 4 stars; one submission).

Submission:

GeneDx
Classification: Uncertain significance. Last evaluated: 2019-09-11. Review status: criteria provided, single submitter. Criteria: GeneDx Variant Classification Process June 2021. Collection method: clinical testing. Allele origin: germline. Affected: yes.
Comment: Not observed in large population cohorts (Lek et al., 2016); In silico analysis, which includes protein predictors and evolutionary conservation, supports that this variant does not alter protein structure/function; Has not been previously published as pathogenic or benign to our knowledge

NM_001025603.2(RFX5):c.1184G>T (p.Gly395Val)

Gene: RFX5 (regulatory factor X5; minus strand). Cytogenetic location: 1q21.3.
Variant type: single nucleotide variant.
Coding change: c.1184G>T on transcript NM_001025603.2 (MANE Select); coding-DNA position 1184, G replaced by T.
Protein change: p.Gly395Val; replaces glycine 395 with valine.
Molecular consequence: missense variant.
Genome position (GRCh38, 1-based): chr1:151,342,853, C>A on the plus strand (G>T on the coding strand, the complement: RFX5 is on the minus strand). VCF-style: chr1-151342853-C-A. GRCh37 (hg19) VCF-style: chr1-151315329-C-A.
Other names: c.1184G>T, p.Gly395Val (NM_000449.4, NM_001379412.1, NM_001379413.1 and 5 more transcripts); c.1064G>T, p.Gly355Val (NM_001379419.1, NM_001379420.1); short protein forms G355V, G395V.
Identifiers: ClinVar variation 1310727 (VCV001310727.2), dbSNP rs1408204507, ClinGen allele CA341928867.